The following is an entry in ClinVar:

NM_002437.5(MPV17):c.*11C>G

Gene: MPV17 (mitochondrial inner membrane protein MPV17; minus strand). Cytogenetic location: 2p23.3.
Variant type: single nucleotide variant.
Coding change: c.*11C>G on transcript NM_002437.5 (MANE Select); 11 bases downstream of the stop codon, C replaced by G.
Molecular consequence: 3 prime UTR variant.
Genome position (GRCh38, 1-based): chr2:27,309,901, G>C on the plus strand (C>G on the coding strand, the complement: MPV17 is on the minus strand). VCF-style: chr2-27309901-G-C. GRCh37 (hg19) VCF-style: chr2-27532769-G-C.
Identifiers: ClinVar variation 388884 (VCV000388884.1), dbSNP rs1057523263, ClinGen allele CA16604205.

ClinVar aggregate classification (germline): Likely benign (1 of 4 stars; one submission).

Allele frequency attached by ClinVar (database versions not stated): gnomAD 0.00001; TOPMed 0.00002.
gnomAD v4.1: 1 of 1,611,500 alleles (0.000062%); no homozygotes.

Submission:

GeneDx
Classification: Likely benign. Last evaluated: 2016-09-08. Review status: criteria provided, single submitter. Criteria: GeneDx Variant Classification (06012015). Collection method: clinical testing. Allele origin: germline. Affected: yes.
Comment: This variant is considered likely benign or benign based on one or more of the following criteria: it is a conservative change, it occurs at a poorly conserved position in the protein, it is predicted to be benign by multiple in silico algorithms, and/or has population frequency not consistent with disease.